The following is an entry in ClinVar:

ClinVar aggregate classification (germline): Uncertain significance (1 of 4 stars; one submission).

gnomAD v4.1: 6 of 1,541,972 alleles (0.00039%); highest among the groups gnomAD compares: Middle Eastern, 0.017%; no homozygotes.

Submission:

CeGaT Center for Human Genetics Tuebingen
Classification: Uncertain significance. Last evaluated: 2025-09-01. Review status: criteria provided, single submitter. Criteria: CeGaT Center For Human Genetics Tuebingen Variant Classification Criteria Version 2. Collection method: clinical testing. Allele origin: germline. Affected: yes. Observed: 1 variant allele.
Comment: STIM1: PM2, BP4

NM_001382567.1(STIM1):c.1634+141C>T

Gene: STIM1 (stromal interaction molecule 1; plus strand). Cytogenetic location: 11p15.4.
Variant type: single nucleotide variant.
Coding change: c.1634+141C>T on transcript NM_001382567.1 (MANE Select); 141 bases into the intron after coding-DNA position 1634, C replaced by T.
Molecular consequence: intron variant. On other transcripts: missense variant (2).
Genome position (GRCh38, 1-based): chr11:4,086,684, C>T. VCF-style: chr11-4086684-C-T. GRCh37 (hg19) VCF-style: chr11-4107914-C-T.
Other names: c.1682C>T, p.Ser561Phe (NM_001277961.3); c.1460C>T, p.Ser487Phe (NM_001382566.1); c.1319+141C>T (NM_001382578.1, NM_001382575.1, NM_001382576.1 and 2 more transcripts); c.1052+141C>T (NM_001382580.1, NM_001382581.1); c.1562+141C>T (NM_001382568.1); c.1541+141C>T (NM_001277962.2, NM_003156.4); c.1313+141C>T (NM_001382570.1); c.1406+141C>T (NM_001382569.1); and 1 more; short protein forms S487F, S561F.
Identifiers: ClinVar variation 4281117 (VCV004281117.7).